The following is an entry in ClinVar:

ClinVar aggregate classification (germline): Uncertain significance (1 of 4 stars; one submission).

Conditions:
Gamma-aminobutyric acid transaminase deficiency (GABATD). Also called: GABA aminotransaminase deficiency; GABA transaminase deficiency; Gamma aminobutyrate transaminase deficiency; 4 alpha aminobutyrate transaminase deficiency. Identifiers: Orphanet 2066, MedGen C0342708, MONDO:0013166, OMIM 613163.

Allele frequency attached by ClinVar (database versions not stated): gnomAD 0.00001; TOPMed 0.00001; gnomAD exomes 0.00002 and 0.00005; ExAC 0.00003.

Submission:

Labcorp Genetics (formerly Invitae), Labcorp
Classification: Uncertain significance for Gamma-aminobutyric acid transaminase deficiency. Last evaluated: 2022-08-19. Review status: criteria provided, single submitter. Criteria: Invitae Variant Classification Sherloc (09022015). Collection method: clinical testing. Allele origin: germline.
Comment: This sequence change replaces threonine, which is neutral and polar, with serine, which is neutral and polar, at codon 361 of the ABAT protein (p.Thr361Ser). This variant is present in population databases (rs774473099, gnomAD 0.03%). This variant has not been reported in the literature in individuals affected with ABAT-related conditions. ClinVar contains an entry for this variant (Variation ID: 529787). Algorithms developed to predict the effect of missense changes on protein structure and function (SIFT, PolyPhen-2, Align-GVGD) all suggest that this variant is likely to be tolerated. In summary, the available evidence is currently insufficient to determine the role of this variant in disease. Therefore, it has been classified as a Variant of Uncertain Significance.

NM_020686.6(ABAT):c.1082C>G (p.Thr361Ser)

Gene: ABAT (4-aminobutyrate aminotransferase; plus strand). Cytogenetic location: 16p13.2.
Variant type: single nucleotide variant.
Coding change: c.1082C>G on transcript NM_020686.6 (MANE Select); coding-DNA position 1082, C replaced by G.
Protein change: p.Thr361Ser; replaces threonine 361 with serine.
Molecular consequence: missense variant.
Genome position (GRCh38, 1-based): chr16:8,775,017, C>G. VCF-style: chr16-8775017-C-G. GRCh37 (hg19) VCF-style: chr16-8868874-C-G.
Other names: c.1082C>G, p.Thr361Ser (NM_000663.5, NM_001127448.2, NM_001386600.1 and 6 more transcripts); c.1043C>G, p.Thr348Ser (NM_001386605.1); c.1019C>G, p.Thr340Ser (NM_001386606.1, NM_001386607.1); c.989C>G, p.Thr330Ser (NM_001386608.1); c.947C>G, p.Thr316Ser (NM_001386610.1, NM_001386611.1); c.884C>G, p.Thr295Ser (NM_001386612.1, NM_001386613.1); c.836C>G, p.Thr279Ser (NM_001386614.1); c.1178C>G, p.Thr393Ser (NM_001386615.1); short protein forms T361S, T279S, T295S, T316S, T330S, T340S, T348S, T393S.
Identifiers: ClinVar variation 529787 (VCV000529787.4), dbSNP rs774473099, ClinGen allele CA7893415.